The following is an entry in ClinVar:

ClinVar aggregate classification (germline): Uncertain significance (1 of 4 stars; one submission).

Conditions:
Hereditary pancreatitis (PCTT). Also called: Hereditary chronic pancreatitis; PRSS1-Related Hereditary Pancreatitis. Identifiers: Orphanet 676, MedGen C0238339, MONDO:0008185, OMIM 167800.

gnomAD v4.1: 3 of 1,614,182 alleles (0.00019%); highest among the groups gnomAD compares: Non-Finnish European, 0.00017%; no homozygotes.

Submission:

Ambry Genetics
Classification: Uncertain significance for Hereditary pancreatitis. Last evaluated: 2025-04-18. Review status: criteria provided, single submitter. Criteria: Ambry Variant Classification Scheme 2023. Collection method: clinical testing. Allele origin: germline.
Comment: The p.Y156C variant (also known as c.467A>G), located in coding exon 5 of the CTRC gene, results from an A to G substitution at nucleotide position 467. The tyrosine at codon 156 is replaced by cysteine, an amino acid with highly dissimilar properties. This amino acid position is conserved. In addition, this alteration is predicted to be deleterious by in silico analysis. Based on the available evidence, the clinical significance of this variant remains unclear.

NM_007272.3(CTRC):c.467A>G (p.Tyr156Cys)

Gene: CTRC (chymotrypsin C; plus strand). Cytogenetic location: 1p36.21.
Variant type: single nucleotide variant.
Coding change: c.467A>G on transcript NM_007272.3 (MANE Select); coding-DNA position 467, A replaced by G.
Protein change: p.Tyr156Cys; replaces tyrosine 156 with cysteine.
Molecular consequence: missense variant.
Genome position (GRCh38, 1-based): chr1:15,443,529, A>G. VCF-style: chr1-15443529-A-G. GRCh37 (hg19) VCF-style: chr1-15770024-A-G.
Other names: short protein forms Y156C.
Identifiers: ClinVar variation 4008110 (VCV004008110.1).